The following is an entry in ClinVar:

NM_014946.4(SPAST):c.1018_1022del (p.Val339_Lys340insTer)

Gene: SPAST (spastin; plus strand). Cytogenetic location: 2p22.3.
Variant type: Deletion.
Coding change: c.1018_1022del on transcript NM_014946.4 (MANE Select); coding-DNA positions 1018 to 1022, 5 bases deleted (AAATT; older notation c.1018_1022delAAATT).
Protein change: p.Val339_Lys340insTer.
Molecular consequence: nonsense.
Genome position (GRCh38, 1-based): chr2:32,116,132-32,116,136, AAATT deleted; deleting any 5 consecutive bases within chr2:32,116,130-32,116,136 gives the same sequence; the c. name uses the placement nearest the transcript's 3' end. VCF-style (leftmost placement, unchanged base first): chr2-32116129-GTTAAA-G. GRCh37 (hg19) VCF-style: chr2-32341198-GTTAAA-G.
Other names: c.1015_1019del, p.Val338_Lys339insTer (NM_001363823.2); c.919_923del, p.Val306_Lys307insTer (NM_001363875.2); c.922_926del, p.Val307_Lys308insTer (NM_001377959.1, NM_199436.2); c.1018_1022delAAATT (NM_014946.3).
Identifiers: ClinVar variation 468560 (VCV000468560.1), dbSNP rs1553315321, ClinGen allele CA658657020.

ClinVar aggregate classification (germline): Pathogenic (1 of 4 stars; one submission).

Conditions:
Hereditary spastic paraplegia 4. Also called: Spastic paraplegia 4, autosomal dominant; Familial spastic paraplegia autosomal dominant 2; Spastic Paraplegia 4. Identifiers: Orphanet 100985, MedGen C1866855, MONDO:0008438, OMIM 182601.

Submission:

Labcorp Genetics (formerly Invitae), Labcorp
Classification: Pathogenic for Hereditary spastic paraplegia 4. Last evaluated: 2017-06-13. Review status: criteria provided, single submitter. Criteria: Invitae Variant Classification Sherloc (09022015). Collection method: clinical testing. Allele origin: germline.
Comment: This sequence change creates a premature translational stop signal (p.Lys340*) in the SPAST gene. It is expected to result in an absent or disrupted protein product. This variant is not present in population databases (ExAC no frequency). This variant has not been reported in the literature in individuals with a SPAST-related disease. Loss-of-function variants in SPAST are known to be pathogenic Â¬â€ (PMID: 20932283). For these reasons, this variant has been classified as Pathogenic.